The following is an entry in ClinVar:

NM_000143.4(FH):c.556-9_556-2del

Gene: FH (fumarate hydratase; minus strand). Cytogenetic location: 1q43.
Variant type: Deletion.
Coding change: c.556-9_556-2del on transcript NM_000143.4 (MANE Select); 9 bases into the intron before coding-DNA position 556 through the canonical splice acceptor site of the intron before coding-DNA position 556, 8 bases deleted (TTCCAACA; older notation c.556-9_556-2delTTCCAACA).
Molecular consequence: splice acceptor variant.
Genome position (GRCh38, 1-based): chr1:241,508,787-241,508,794, TGTTGGAA deleted on the plus strand (TTCCAACA on the coding strand, the reverse complement: FH is on the minus strand). VCF-style (leftmost placement, unchanged base first): chr1-241508786-CTGTTGGAA-C. GRCh37 (hg19) VCF-style: chr1-241672086-CTGTTGGAA-C.
Identifiers: ClinVar variation 2116349 (VCV002116349.4), dbSNP rs2527327612, ClinGen allele CA2580063530.

ClinVar aggregate classification (germline): Likely pathogenic (1 of 4 stars; one submission).

Submission:

Labcorp Genetics (formerly Invitae), Labcorp
Classification: Likely pathogenic. Last evaluated: 2022-03-23. Review status: criteria provided, single submitter. Criteria: Invitae Variant Classification Sherloc (09022015). Collection method: clinical testing. Allele origin: germline.
Comment: Algorithms developed to predict the effect of sequence changes on RNA splicing suggest that this variant may disrupt the consensus splice site. This sequence change affects a splice site in intron 4 of the FH gene. It is expected to disrupt RNA splicing. Variants that disrupt the donor or acceptor splice site typically lead to a loss of protein function (PMID: 16199547), and loss-of-function variants in FH are known to be pathogenic (PMID: 11865300, 21398687). This variant is not present in population databases (gnomAD no frequency). This variant has not been reported in the literature in individuals affected with FH-related conditions. In summary, the currently available evidence indicates that the variant is pathogenic, but additional data are needed to prove that conclusively. Therefore, this variant has been classified as Likely Pathogenic.

Literature cited by the submitters: PubMed 16199547; PubMed 11865300; PubMed 21398687.